The following is an entry in ClinVar:

NM_016098.4(MPC1):c.30G>A (p.Ala10=)

Gene: MPC1 (mitochondrial pyruvate carrier 1; minus strand). Cytogenetic location: 6q27.
Variant type: single nucleotide variant.
Coding change: c.30G>A on transcript NM_016098.4 (MANE Select); coding-DNA position 30, G replaced by A.
Protein change: p.Ala10=; no amino-acid change (alanine 10 retained).
Molecular consequence: synonymous variant. On other transcripts: 5 prime UTR variant (5), non-coding transcript variant (5).
Genome position (GRCh38, 1-based): chr6:166,382,847, C>T on the plus strand (G>A on the coding strand, the complement: MPC1 is on the minus strand). VCF-style: chr6-166382847-C-T. GRCh37 (hg19) VCF-style: chr6-166796335-C-T.
Other names: c.-316G>A (NM_001270879.2); c.-503G>A (NM_001376565.1); c.-96G>A (NM_001376566.1); c.-312G>A (NM_001376567.1); c.-287G>A (NM_001376568.1); c.30G>A, p.Ala10= (NM_001376569.1).
Identifiers: ClinVar variation 378152 (VCV000378152.42), dbSNP rs79498685, ClinGen allele CA4093753.

ClinVar aggregate classification (germline): Benign/Likely benign. Review status: criteria provided, multiple submitters, no conflicts (2 of 4 stars). 5 submissions from 5 submitters: Benign (2); Likely benign (2). 1 of the submissions does not count toward it. Last evaluated 2026-01-19.

Allele frequency attached by ClinVar (database versions not stated): gnomAD 0.00395 and 0.00426; TOPMed 0.00422; ESP Exome Variant Server 0.00439; 1000 Genomes Project 0.00459; 1000 Genomes Project 30x 0.00484; gnomAD exomes 0.00037 and 0.00093; ExAC 0.00157.

Submissions (5):

Labcorp Genetics (formerly Invitae), Labcorp
Classification: Benign. Last evaluated: 2026-01-19. Review status: criteria provided, single submitter. Criteria: Invitae Variant Classification Sherloc (09022015). Collection method: clinical testing. Allele origin: germline.

CeGaT Center for Human Genetics Tuebingen
Classification: Benign. Last evaluated: 2022-10-01. Review status: criteria provided, single submitter. Criteria: CeGaT Center For Human Genetics Tuebingen Variant Classification Criteria Version 2. Collection method: clinical testing. Allele origin: germline. Affected: yes. Observed: 1 variant allele.
Comment: MPC1: BP4, BP7, BS1, BS2

GeneDx
Classification: Likely benign. Last evaluated: 2021-07-19. Review status: criteria provided, single submitter. Criteria: GeneDx Variant Classification Process June 2021. Collection method: clinical testing. Allele origin: germline. Affected: yes.

Breakthrough Genomics
Classification: Likely benign. Review status: criteria provided, single submitter. Criteria: ACMG Guidelines, 2015. Collection method: not provided. Allele origin: germline. Inheritance: Autosomal recessive inheritance. Affected: yes.

Mayo Clinic Laboratories, Mayo Clinic
Classification: Likely benign. Last evaluated: 2017-09-15. Review status: no assertion criteria provided. Collection method: clinical testing. Allele origin: unknown. Not counted in ClinVar's aggregate classification.